The following is an entry in ClinVar:

NM_000465.4(BARD1):c.1101A>T (p.Ser367=)

Gene: BARD1 (BRCA1 associated RING domain 1; minus strand). Cytogenetic location: 2q35.
Variant type: single nucleotide variant.
Coding change: c.1101A>T on transcript NM_000465.4 (MANE Select); coding-DNA position 1101, A replaced by T.
Protein change: p.Ser367=; no amino-acid change (serine 367 retained).
Molecular consequence: synonymous variant. On other transcripts: non-coding transcript variant (2), intron variant (3).
Genome position (GRCh38, 1-based): chr2:214,780,773, T>A on the plus strand (A>T on the coding strand, the complement: BARD1 is on the minus strand). VCF-style: chr2-214780773-T-A. GRCh37 (hg19) VCF-style: chr2-215645497-T-A.
Other names: c.1044A>T, p.Ser348= (NM_001282543.2); c.159-28218A>T (NM_001282548.2); c.215+16288A>T (NM_001282545.2); c.364+11524A>T (NM_001282549.2).
Identifiers: ClinVar variation 1792444 (VCV001792444.3), dbSNP rs876659194, ClinGen allele CA431392143.

ClinVar aggregate classification (germline): Benign/Likely benign. Review status: criteria provided, multiple submitters, no conflicts (2 of 4 stars). 2 submissions from 2 submitters: Benign (1); Likely benign (1). Last evaluated 2024-07-24.

Conditions:
Hereditary cancer-predisposing syndrome. Also called: Hereditary Cancer Syndrome; Hereditary neoplastic syndrome; Tumor predisposition; Neoplastic Syndromes, Hereditary. Identifiers: Orphanet 140162, MedGen C0027672, MeSH D009386, MONDO:0015356.
Familial cancer of breast. Also called: BREAST CANCER, FAMILIAL; Hereditary breast cancer; hereditary breast carcinoma. Identifiers: Orphanet 227535, MedGen C0346153, MONDO:0016419, OMIM 114480. Disease mechanism: loss of function.

Submissions (2):

Myriad Genetics, Inc.
Classification: Benign for Familial cancer of breast. Last evaluated: 2024-07-24. Review status: criteria provided, single submitter. Criteria: Myriad Autosomal Dominant, Autosomal Recessive and X-Linked Classification Criteria (2023). Collection method: clinical testing. Allele origin: unknown.
Comment: This variant is considered benign. This variant is a silent/synonymous amino acid change and it is not expected to impact splicing.

Ambry Genetics
Classification: Likely benign for Hereditary cancer-predisposing syndrome. Last evaluated: 2022-08-16. Review status: criteria provided, single submitter. Criteria: Ambry Variant Classification Scheme 2023. Collection method: clinical testing. Allele origin: germline.